The following is an entry in ClinVar:

NM_023036.6(DNAI2):c.1533G>T (p.Glu511Asp)

Gene: DNAI2 (dynein axonemal intermediate chain 2; plus strand). Cytogenetic location: 17q25.1.
Variant type: single nucleotide variant.
Coding change: c.1533G>T on transcript NM_023036.6 (MANE Select); coding-DNA position 1533, G replaced by T.
Protein change: p.Glu511Asp; replaces glutamic acid 511 with aspartic acid.
Molecular consequence: missense variant. On other transcripts: non-coding transcript variant (1).
Genome position (GRCh38, 1-based): chr17:74,312,041, G>T. VCF-style: chr17-74312041-G-T. GRCh37 (hg19) VCF-style: chr17-72308180-G-T.
Other names: p.Glu511Asp; c.1497G>T, p.Glu499Asp (NM_001172810.3); c.1533G>T, p.Glu511Asp (NM_001353167.2); short protein forms E511D, E499D.
Identifiers: ClinVar variation 325020 (VCV000325020.28), dbSNP rs150710001, ClinGen allele CA8745825.
Genomic context (GRCh38, chr17:74,312,041, plus strand): 5'-CTCTCTGTCCCTGGGTGCCCAGATGTTTGAGCGTGAGACCCGGCGAGAGAAGATCCTGGA[G>T]GCCAGGCACCGGGAGATGCGGCTGAAGGAGAAGGGTAAGGCGGAGGGCAGGGATGAGGAG-3'
Protein context (NP_075462.3, residues 501-521): ERETRREKIL[Glu511Asp]ARHREMRLKE

ClinVar aggregate classification (germline): Conflicting classifications of pathogenicity. Review status: criteria provided, conflicting classifications (1 of 4 stars). 7 submissions from 7 submitters: Uncertain significance (5); Likely benign (1). 1 of the submissions does not count toward it. Last evaluated 2026-01-22.

Conditions:
Primary ciliary dyskinesia. Also called: Ciliary dyskinesia. Identifiers: Orphanet 244, MedGen C0008780, MONDO:0016575, HP:0012265.
Primary ciliary dyskinesia 9. Also called: CILIARY DYSKINESIA, PRIMARY, 9, WITH OR WITHOUT SITUS INVERSUS. Identifiers: Orphanet 244, MedGen C2676235, MONDO:0012906, OMIM 612444.

Allele frequency attached by ClinVar (database versions not stated): gnomAD exomes 0.00039 and 0.00062; TOPMed 0.00042; ExAC 0.00047; gnomAD 0.00048 and 0.00050; ESP Exome Variant Server 0.00062.
gnomAD v4.1: 953 of 1,612,012 alleles (0.059%); highest among the groups gnomAD compares: Non-Finnish European, 0.076%; 1 homozygote.

Submissions (7):

Labcorp Genetics (formerly Invitae), Labcorp
Classification: Likely benign for Primary ciliary dyskinesia. Last evaluated: 2026-01-22. Review status: criteria provided, single submitter. Criteria: Invitae Variant Classification Sherloc (09022015). Collection method: clinical testing. Allele origin: germline.

GeneDx
Classification: Uncertain significance. Last evaluated: 2025-10-17. Review status: criteria provided, single submitter. Criteria: GeneDx Variant Classification Process June 2021. Collection method: clinical testing. Allele origin: germline.
Comment: In silico analysis supports that this missense variant has a deleterious effect on protein structure/function; Has not been previously published as pathogenic or benign to our knowledge

Mayo Clinic Laboratories, Mayo Clinic
Classification: Uncertain significance. Last evaluated: 2025-07-10. Review status: criteria provided, single submitter. Criteria: ACMG Guidelines, 2015. Collection method: clinical testing. Allele origin: germline. Observed: 1 variant allele.
Comment: BP4

Blueprint Genetics
Classification: Uncertain significance. Last evaluated: 2024-08-28. Review status: criteria provided, single submitter. Criteria: ACMG Guidelines, 2015. Collection method: clinical testing. Allele origin: germline.

Ambry Genetics
Classification: Uncertain significance for Primary ciliary dyskinesia. Last evaluated: 2021-06-18. Review status: criteria provided, single submitter. Criteria: Ambry Variant Classification Scheme 2023. Collection method: clinical testing. Allele origin: germline.

Illumina Laboratory Services, Illumina
Classification: Uncertain significance for Primary ciliary dyskinesia 9. Last evaluated: 2018-01-13. Review status: criteria provided, single submitter. Criteria: ICSL Variant Classification Criteria 13 December 2019. Collection method: clinical testing. Allele origin: germline.

Natera, Inc.
Classification: Uncertain significance for Primary ciliary dyskinesia. Last evaluated: 2020-01-24. Review status: no assertion criteria provided. Collection method: clinical testing. Allele origin: germline. Not counted in ClinVar's aggregate classification.